The following is an entry in ClinVar:

ClinVar aggregate classification (germline): Uncertain significance (1 of 4 stars; one submission).

gnomAD v4.1: 2 of 1,585,266 alleles (0.00013%); highest among the groups gnomAD compares: African/African-American, 0.0027%; no homozygotes.

Submission:

Labcorp Genetics (formerly Invitae), Labcorp
Classification: Uncertain significance. Last evaluated: 2022-08-17. Review status: criteria provided, single submitter. Criteria: Invitae Variant Classification Sherloc (09022015). Collection method: clinical testing. Allele origin: germline.
Comment: This sequence change replaces lysine, which is basic and polar, with threonine, which is neutral and polar, at codon 4775 of the PCLO protein (p.Lys4775Thr). This variant is present in population databases (no rsID available, gnomAD 0.008%). This variant has not been reported in the literature in individuals affected with PCLO-related conditions. Algorithms developed to predict the effect of missense changes on protein structure and function are either unavailable or do not agree on the potential impact of this missense change (SIFT: "Deleterious"; PolyPhen-2: "Not Available"; Align-GVGD: "Class C0"). In summary, the available evidence is currently insufficient to determine the role of this variant in disease. Therefore, it has been classified as a Variant of Uncertain Significance.

NM_033026.6(PCLO):c.14324A>C (p.Lys4775Thr)

Gene: PCLO (piccolo presynaptic cytomatrix protein; minus strand). Cytogenetic location: 7q21.11.
Variant type: single nucleotide variant.
Coding change: c.14324A>C on transcript NM_033026.6 (MANE Select); coding-DNA position 14324, A replaced by C.
Protein change: p.Lys4775Thr; replaces lysine 4775 with threonine.
Molecular consequence: missense variant.
Genome position (GRCh38, 1-based): chr7:82,827,892, T>G on the plus strand (A>C on the coding strand, the complement: PCLO is on the minus strand). VCF-style: chr7-82827892-T-G. GRCh37 (hg19) VCF-style: chr7-82457208-T-G.
Other names: c.14324A>C, p.Lys4775Thr (NM_014510.3); short protein forms K4775T.
Identifiers: ClinVar variation 1716611 (VCV001716611.5), dbSNP rs762009956, ClinGen allele CA368020805.
Genomic context (GRCh38, chr7:82,827,892, plus strand): 5'-TATTAGCCTAATTCTGTCACCTAGAAATAATCTTGACATACCTGTTCCATGGAAATACTT[T>G]TATAAATTACTGTTTGATTCCACTCAGGATTAAGACTTTTCTGGACATGTTTAGTCCTTC-3'
Protein context (NP_149015.2, residues 4765-4785): NPEWNQTVIY[Lys4775Thr]SISMEQLKKK